The following is an entry in ClinVar:

NM_001903.5(CTNNA1):c.1683C>T (p.Asp561=)

Gene: CTNNA1 (catenin alpha 1; plus strand). Cytogenetic location: 5q31.2.
Variant type: single nucleotide variant.
Coding change: c.1683C>T on transcript NM_001903.5 (MANE Select); coding-DNA position 1683, C replaced by T.
Protein change: p.Asp561=; no amino-acid change (aspartic acid 561 retained).
Molecular consequence: synonymous variant.
Genome position (GRCh38, 1-based): chr5:138,924,646, C>T. VCF-style: chr5-138924646-C-T. GRCh37 (hg19) VCF-style: chr5-138260335-C-T.
Other names: c.1683C>T, p.Asp561= (NM_001290307.3, NM_001323982.2, NM_001323983.1 and 2 more transcripts); c.1374C>T, p.Asp458= (NM_001290309.3); c.1314C>T, p.Asp438= (NM_001290310.3); c.573C>T, p.Asp191= (NM_001290312.1, NM_001323987.1, NM_001323988.1 and 17 more transcripts); c.1590C>T, p.Asp530= (NM_001323986.2); c.234C>T, p.Asp78= (NM_001324006.1, NM_001324007.1, NM_001324008.1 and 2 more transcripts); c.480C>T, p.Asp160= (NM_001324011.1); c.330C>T, p.Asp110= (NM_001324012.1, NM_001324013.1).
Identifiers: ClinVar variation 3721348 (VCV003721348.3).

ClinVar aggregate classification (germline): Benign/Likely benign. Review status: criteria provided, multiple submitters, no conflicts (2 of 4 stars). 2 submissions from 2 submitters: Benign (1); Likely benign (1). Last evaluated 2026-01-04.

Conditions:
Hereditary diffuse gastric adenocarcinoma (HDGC). Also called: DIFFUSE GASTRIC AND LOBULAR BREAST CANCER SYNDROME. Identifiers: Orphanet 26106, MedGen C1708349, MONDO:0007648, OMIM 137215.

Submissions (2):

Labcorp Genetics (formerly Invitae), Labcorp
Classification: Likely benign. Last evaluated: 2026-01-04. Review status: criteria provided, single submitter. Criteria: Invitae Variant Classification Sherloc (09022015). Collection method: clinical testing. Allele origin: germline.

Myriad Genetics, Inc.
Classification: Benign for Hereditary diffuse gastric adenocarcinoma. Last evaluated: 2024-10-11. Review status: criteria provided, single submitter. Criteria: Myriad Autosomal Dominant, Autosomal Recessive and X-Linked Classification Criteria (2023). Collection method: clinical testing. Allele origin: unknown.
Comment: This variant is considered benign. This variant is a silent/synonymous amino acid change and it is not expected to impact splicing.